The following is an entry in ClinVar:

ClinVar aggregate classification (germline): Uncertain significance (1 of 4 stars; one submission).

Submission:

Dasa
Classification: Uncertain significance. Last evaluated: 2026-02-23. Review status: criteria provided, single submitter. Criteria: DASA Assertion Criteria. Collection method: clinical testing. Allele origin: germline.
Comment: NM_006160.4(NEUROD2):c.947C>T (p.Ser316Leu) is a missense variant that results in the substitution of serine with leucine. This variant is rare in population databases. The currently available literature and clinical evidence are not sufficient to establish a definitive association between this variant and the reported condition. Therefore, this variant is classified as a variant of uncertain significance.

NM_006160.4(NEUROD2):c.947C>T (p.Ser316Leu)

Gene: NEUROD2 (neuronal differentiation 2; minus strand). Cytogenetic location: 17q12.
Variant type: single nucleotide variant.
Coding change: c.947C>T on transcript NM_006160.4 (MANE Select); coding-DNA position 947, C replaced by T.
Protein change: p.Ser316Leu; replaces serine 316 with leucine.
Molecular consequence: missense variant.
Genome position (GRCh38, 1-based): chr17:39,605,653, G>A on the plus strand (C>T on the coding strand, the complement: NEUROD2 is on the minus strand). VCF-style: chr17-39605653-G-A. GRCh37 (hg19) VCF-style: chr17-37761906-G-A.
Other names: short protein forms S316L.
Identifiers: ClinVar variation 4885987 (VCV004885987.2).
Genomic context (GRCh38, chr17:39,605,653, plus strand): 5'-CGCGAACCGGGCAGCGCCGAGTAGTGCATAGAGTAGTGGTAGCTTTTCTCGTGGTCGGGC[G>A]AGGAGTCCTGCTTGAGTGAGAAGTTGCCATTGAGACAGAGCGGGGGGCTGAGCGGGCCCT-3'
Protein context (NP_006151.3, residues 306-326): NGNFSLKQDS[Ser316Leu]PDHEKSYHYS